The following is an entry in ClinVar:

ClinVar aggregate classification (germline): Uncertain significance (1 of 4 stars; one submission).

gnomAD v4.1: 1 of 1,537,256 alleles (0.000065%); highest among the groups gnomAD compares: South Asian, 0.0012%; no homozygotes.

Submission:

Labcorp Genetics (formerly Invitae), Labcorp
Classification: Uncertain significance. Last evaluated: 2022-08-16. Review status: criteria provided, single submitter. Criteria: Invitae Variant Classification Sherloc (09022015). Collection method: clinical testing. Allele origin: germline.
Comment: In summary, the available evidence is currently insufficient to determine the role of this variant in disease. Therefore, it has been classified as a Variant of Uncertain Significance. Variants that disrupt the consensus splice site are a relatively common cause of aberrant splicing (PMID: 17576681, 9536098). Algorithms developed to predict the effect of sequence changes on RNA splicing suggest that this variant may disrupt the consensus splice site. This variant has not been reported in the literature in individuals affected with PET100-related conditions. This variant is not present in population databases (gnomAD no frequency). This sequence change affects a donor splice site in intron 3 of the PET100 gene. While this variant is not anticipated to result in nonsense mediated decay, it likely alters RNA splicing and results in a disrupted protein product.

Literature cited by the submitters: PubMed 17576681; PubMed 9536098.

NM_001171155.2(PET100):c.138+1G>T

Genes: PET100 (PET100 cytochrome c oxidase chaperone; plus strand), STXBP2 (syntaxin binding protein 2; plus strand). Cytogenetic location: 19p13.2.
Variant type: single nucleotide variant.
Coding change: c.138+1G>T on transcript NM_001171155.2 (MANE Select); the canonical splice donor site of the intron after coding-DNA position 138, G replaced by T.
Molecular consequence: splice donor variant.
Genome position (GRCh38, 1-based): chr19:7,630,847, G>T. VCF-style: chr19-7630847-G-T. GRCh37 (hg19) VCF-style: chr19-7695733-G-T.
Other names: c.-60+1G>T (NM_001414484.1).
Identifiers: ClinVar variation 2024359 (VCV002024359.2), dbSNP rs2031266454, ClinGen allele CA403153821.